The following is an entry in ClinVar:

ClinVar aggregate classification (germline): Uncertain significance (1 of 4 stars; one submission).

Conditions:
Hereditary cancer-predisposing syndrome. Also called: Hereditary neoplastic syndrome; Hereditary Cancer Syndrome; Neoplastic Syndromes, Hereditary; Tumor predisposition. Identifiers: Orphanet 140162, MedGen C0027672, MeSH D009386, MONDO:0015356.

Allele frequency attached by ClinVar (database versions not stated): gnomAD exomes 0.00001.
gnomAD v4.1: 6 of 1,613,790 alleles (0.00037%); highest among the groups gnomAD compares: Non-Finnish European, 0.00051%; no homozygotes.

Submission:

Color Diagnostics, LLC DBA Color Health
Classification: Uncertain significance for Hereditary cancer-predisposing syndrome. Last evaluated: 2022-06-07. Review status: criteria provided, single submitter. Criteria: ACMG Guidelines, 2015. Collection method: clinical testing. Allele origin: germline.
Comment: This missense variant replaces threonine with alanine at codon 543 of the ATM protein. Computational prediction suggests that this variant may not impact protein structure and function (internally defined REVEL score threshold <= 0.5, PMID: 27666373). To our knowledge, functional studies have not been reported for this variant. This variant has not been reported in individuals affected with hereditary cancer in the literature. This variant has not been identified in the general population by the Genome Aggregation Database (gnomAD). The available evidence is insufficient to determine the role of this variant in disease conclusively. Therefore, this variant is classified as a Variant of Uncertain Significance.

NM_000051.4(ATM):c.1627A>G (p.Thr543Ala)

Gene: ATM (ATM serine/threonine kinase; plus strand). Cytogenetic location: 11q22.3.
Variant type: single nucleotide variant.
Coding change: c.1627A>G on transcript NM_000051.4 (MANE Select); coding-DNA position 1627, A replaced by G.
Protein change: p.Thr543Ala; replaces threonine 543 with alanine.
Molecular consequence: missense variant.
Genome position (GRCh38, 1-based): chr11:108,251,856, A>G. VCF-style: chr11-108251856-A-G. GRCh37 (hg19) VCF-style: chr11-108122583-A-G.
Other names: c.1627A>G, p.Thr543Ala (NM_001351834.2); short protein forms T543A.
Identifiers: ClinVar variation 2774139 (VCV002774139.2), dbSNP rs2080165023, ClinGen allele CA382534508.